The following is an entry in ClinVar:

ClinVar aggregate classification (germline): Uncertain significance (1 of 4 stars; one submission).

Conditions:
Vici syndrome (VICIS). Identifiers: Orphanet 1493, MedGen C1855772, MONDO:0009452, OMIM 242840.

gnomAD v4.1: 1 of 1,612,816 alleles (0.000062%); highest among the groups gnomAD compares: Non-Finnish European, 0.000085%; no homozygotes.

Submission:

Labcorp Genetics (formerly Invitae), Labcorp
Classification: Uncertain significance for Vici syndrome. Last evaluated: 2022-06-25. Review status: criteria provided, single submitter. Criteria: Invitae Variant Classification Sherloc (09022015). Collection method: clinical testing. Allele origin: germline.
Comment: This sequence change replaces serine, which is neutral and polar, with cysteine, which is neutral and slightly polar, at codon 521 of the EPG5 protein (p.Ser521Cys). This variant is not present in population databases (gnomAD no frequency). This variant has not been reported in the literature in individuals affected with EPG5-related conditions. Algorithms developed to predict the effect of missense changes on protein structure and function are either unavailable or do not agree on the potential impact of this missense change (SIFT: "Tolerated"; PolyPhen-2: "Probably Damaging"; Align-GVGD: "Class C0"). In summary, the available evidence is currently insufficient to determine the role of this variant in disease. Therefore, it has been classified as a Variant of Uncertain Significance.

NM_020964.3(EPG5):c.1562C>G (p.Ser521Cys)

Gene: EPG5 (ectopic P-granules 5 autophagy tethering factor; minus strand). Cytogenetic location: 18q21.1.
Variant type: single nucleotide variant.
Coding change: c.1562C>G on transcript NM_020964.3 (MANE Select); coding-DNA position 1562, C replaced by G.
Protein change: p.Ser521Cys; replaces serine 521 with cysteine.
Molecular consequence: missense variant.
Genome position (GRCh38, 1-based): chr18:45,948,512, G>C on the plus strand (C>G on the coding strand, the complement: EPG5 is on the minus strand). VCF-style: chr18-45948512-G-C. GRCh37 (hg19) VCF-style: chr18-43528478-G-C.
Other names: c.1562C>G, p.Ser521Cys (NM_001410858.1, NM_001410859.1); short protein forms S521C.
Identifiers: ClinVar variation 2010564 (VCV002010564.1), dbSNP rs1410627276, ClinGen allele CA402349103.